The following is an entry in ClinVar:

NC_000010.10:g.(?_282758)_(286930_?)del

Gene: ZMYND11 (zinc finger MYND-type containing 11; plus strand). Cytogenetic location: 10p15.3.
Variant type: Deletion.
Identifiers: ClinVar variation 3244984 (VCV003244984.1).

ClinVar aggregate classification (germline): Pathogenic (1 of 4 stars; one submission).

Submission:

Labcorp Genetics (formerly Invitae), Labcorp
Classification: Pathogenic. Last evaluated: 2023-10-13. Review status: criteria provided, single submitter. Criteria: Invitae Variant Classification Sherloc (09022015). Collection method: clinical testing. Allele origin: unknown.
Comment: This variant is a gross deletion of the genomic region encompassing exon(s) 5-9 of the ZMYND11 gene. This variant would be expected to be in-frame, preserving the integrity of the reading frame. This variant has not been reported in the literature in individuals affected with ZMYND11-related conditions. This variant disrupts a region of the ZMYND11 protein in which other variant(s) (p.Cys258Trp) have been determined to be pathogenic (Invitae). This suggests that this is a clinically significant region of the protein, and that variants that disrupt it are likely to be disease-causing. For these reasons, this variant has been classified as Pathogenic.